The following is an entry in ClinVar:

NM_001372044.2(SHANK3):c.3074G>A (p.Arg1025His)

Gene: SHANK3 (SH3 and multiple ankyrin repeat domains 3; plus strand). Cytogenetic location: 22q13.33.
Variant type: single nucleotide variant.
Coding change: c.3074G>A on transcript NM_001372044.2 (MANE Select); coding-DNA position 3074, G replaced by A.
Protein change: p.Arg1025His; replaces arginine 1025 with histidine.
Molecular consequence: missense variant.
Genome position (GRCh38, 1-based): chr22:50,720,682, G>A. VCF-style: chr22-50720682-G-A. GRCh37 (hg19) VCF-style: chr22-51159110-G-A.
Other names: c.2849G>A (NM_033517.1); short protein forms R1025H.
Identifiers: ClinVar variation 1314973 (VCV001314973.2), dbSNP rs1231632189, ClinGen allele CA515259987.
Genomic context (GRCh38, chr22:50,720,682, plus strand): 5'-CCTACGCCAACCTGGGCGCCTTCAGCGCCAGCCTCTTCGCTCCGTCCAAGCCGCAGCGCC[G>A]CAAGAGCCCCCTGGTGAAGCAGCTGCAGGTGGAGGACGCGCAGGAGCGCGCGGCCCTGGC-3'
Protein context (NP_001358973.1, residues 1015-1035): SLFAPSKPQR[Arg1025His]KSPLVKQLQV

ClinVar aggregate classification (germline): Uncertain significance (1 of 4 stars; one submission).

Submission:

GeneDx
Classification: Uncertain significance. Last evaluated: 2020-02-28. Review status: criteria provided, single submitter. Criteria: GeneDx Variant Classification Process June 2021. Collection method: clinical testing. Allele origin: germline. Affected: yes.
Comment: In silico analysis supports that this missense variant has a deleterious effect on protein structure/function; No data available from control populations to assess the frequency of this variant; Has not been previously published as pathogenic or benign to our knowledge